The following is an entry in ClinVar:

ClinVar aggregate classification (germline): Uncertain significance (1 of 4 stars; one submission).

Conditions:
Prader-Willi-like syndrome. Also called: CHITAYAT-HALL SYNDROME. Identifiers: Orphanet 398073, MedGen C3809877, MONDO:0018354.
Prader-Willi syndrome (PWS). Identifiers: Orphanet 739, MedGen C0032897, MONDO:0008300, OMIM 176270. Disease mechanism: loss of function, Microdeletion. Inheritance: Microdletion.

Allele frequency attached by ClinVar (database versions not stated): gnomAD exomes below 0.00001; TOPMed below 0.00001; ExAC 0.00001.
gnomAD v4.1: 3 of 1,613,860 alleles (0.00019%); highest among the groups gnomAD compares: South Asian, 0.0011%; no homozygotes.

Submission:

GeneDx
Classification: Uncertain significance. Last evaluated: 2022-01-24. Review status: criteria provided, single submitter. Criteria: GeneDx Variant Classification Process June 2021. Collection method: clinical testing. Allele origin: germline. Affected: yes.
Comment: Not observed at significant frequency in large population cohorts (gnomAD); In silico analysis supports that this missense variant does not alter protein structure/function; Has not been previously published as pathogenic or benign to our knowledge

NM_019066.5(MAGEL2):c.3110C>A (p.Ala1037Asp)

Gene: MAGEL2 (MAGE family member L2; minus strand). Cytogenetic location: 15q11.2.
Variant type: single nucleotide variant.
Coding change: c.3110C>A on transcript NM_019066.5 (MANE Select); coding-DNA position 3110, C replaced by A.
Protein change: p.Ala1037Asp; replaces alanine 1037 with aspartic acid.
Molecular consequence: missense variant.
Genome position (GRCh38, 1-based): chr15:23,644,633, G>T on the plus strand (C>A on the coding strand, the complement: MAGEL2 is on the minus strand). VCF-style: chr15-23644633-G-T. GRCh37 (hg19) VCF-style: chr15-23889780-G-T.
Other names: short protein forms A1037D.
Identifiers: ClinVar variation 1699729 (VCV001699729.5), dbSNP rs776894525, ClinGen allele CA7429746.